The following is an entry in ClinVar:

ClinVar aggregate classification (germline): Likely pathogenic (1 of 4 stars; one submission).

Conditions:
Hermansky-Pudlak syndrome 3 (HPS3). Identifiers: Orphanet 231512, Orphanet 79430, MedGen C3888001, MONDO:0013555, OMIM 614072.

Submission:

3billion
Classification: Likely pathogenic for Hermansky-Pudlak syndrome 3. Last evaluated: 2025-11-07. Review status: criteria provided, single submitter. Criteria: ACMG Guidelines, 2015. Collection method: clinical testing. Allele origin: germline. Affected: yes.
Comment: The variant is not observed in the gnomAD v4.1.0 dataset. Predicted Consequence/Location: Frameshift: predicted to result in a loss or disruption of normal protein function through nonsense-mediated decay (NMD) or protein truncation. Multiple pathogenic variants are reported downstream of the variant. Therefore, this variant is classified as Likely pathogenic according to the recommendation of ACMG/AMP guideline.

NM_032383.5(HPS3):c.979dup (p.Thr327fs)

Gene: HPS3 (HPS3 biogenesis of lysosomal organelles complex 2 subunit 1; plus strand). Cytogenetic location: 3q24.
Variant type: Duplication.
Coding change: c.979dup on transcript NM_032383.5 (MANE Select); coding-DNA position 979, one base duplicated (A; older notation c.979dupA).
Protein change: p.Thr327fs; shifts the reading frame from threonine 327.
Molecular consequence: frameshift variant.
Genome position (GRCh38, 1-based): chr3:149,145,362, A duplicated. VCF-style (leftmost placement, unchanged base first): chr3-149145361-T-TA. GRCh37 (hg19) VCF-style: chr3-148863148-T-TA.
Other names: c.484dup, p.Thr162fs (NM_001308258.2); short protein forms T162fs, T327fs.
Identifiers: ClinVar variation 4854193 (VCV004854193.1).